The following is an entry in ClinVar:

NM_000037.4(ANK1):c.1722C>T (p.His574=)

Genes: ANK1 (ankyrin 1; minus strand), LOC126860369 (BRD4-independent group 4 enhancer GRCh37_chr8:41570734-41571933; plus strand). Cytogenetic location: 8p11.21.
Variant type: single nucleotide variant.
Coding change: c.1722C>T on transcript NM_000037.4 (MANE Select); coding-DNA position 1722, C replaced by T.
Protein change: p.His574=; no amino-acid change (histidine 574 retained).
Molecular consequence: synonymous variant.
Genome position (GRCh38, 1-based): chr8:41,714,234, G>A on the plus strand (C>T on the coding strand, the complement: ANK1 is on the minus strand). VCF-style: chr8-41714234-G-A. GRCh37 (hg19) VCF-style: chr8-41571752-G-A.
Other names: c.1821C>T, p.His607= (NM_001142446.2); c.1722C>T, p.His574= (NM_020475.3, NM_020476.3, NM_020477.3).
Identifiers: ClinVar variation 3358773 (VCV003358773.1).

ClinVar aggregate classification (germline): Likely benign (0 of 4 stars; one submission).

Conditions:
ANK1-related disorder. Also called: ANK1-related condition.

gnomAD v4.1: 42 of 1,549,796 alleles (0.0027%); highest among the groups gnomAD compares: Non-Finnish European, 0.0033%; no homozygotes.

Submission:

PreventionGenetics, part of Exact Sciences
Classification: Likely benign for ANK1-related condition. Last evaluated: 2024-07-03. Review status: no assertion criteria provided. Collection method: clinical testing. Allele origin: germline.
Comment: This variant is classified as likely benign based on ACMG/AMP sequence variant interpretation guidelines (Richards et al. 2015 PMID: 25741868, with internal and published modifications).